The following is an entry in ClinVar:

ClinVar aggregate classification (germline): Pathogenic/Likely pathogenic. Review status: criteria provided, multiple submitters, no conflicts (2 of 4 stars). 7 submissions from 6 submitters: Pathogenic (5); Likely pathogenic (2). Last evaluated 2024-01-25.

Conditions:
Usher syndrome. Also called: Usher's syndrome; Usher Syndromes. Identifiers: Orphanet 886, MedGen CN469326, MeSH D052245, MONDO:0019501. Disease mechanism: loss of function.
Usher syndrome type 2. Also called: Usher Syndrome Type II. Identifiers: Orphanet 231178, MedGen C0339534, MONDO:0016484.
Retinitis pigmentosa 39 (RP39). Identifiers: Orphanet 791, MedGen C3151138, MONDO:0013436, OMIM 613809.
Usher syndrome type 2A. Also called: RETINAL DISEASE IN USHER SYNDROME TYPE IIA, MODIFIER OF; USHER SYNDROME, TYPE IIA. Identifiers: Orphanet 231178, Orphanet 886, MedGen C1848634, MONDO:0010169, OMIM 276901.

Submissions (7):

Baylor Genetics
Classification: Pathogenic for Retinitis pigmentosa 39. Last evaluated: 2024-01-25. Review status: criteria provided, single submitter. Criteria: ACMG Guidelines, 2015. Collection method: clinical testing. Allele origin: unknown.

Genome-Nilou Lab
Classification: Likely pathogenic for Retinitis pigmentosa 39. Last evaluated: 2023-11-04. Review status: criteria provided, single submitter. Criteria: ACMG Guidelines, 2015. Collection method: clinical testing. Allele origin: germline. Affected: no.

Genome-Nilou Lab
Classification: Likely pathogenic for Usher syndrome type 2A. Last evaluated: 2023-11-04. Review status: criteria provided, single submitter. Criteria: ACMG Guidelines, 2015. Collection method: clinical testing. Allele origin: germline. Affected: no.

Labcorp Genetics (formerly Invitae), Labcorp
Classification: Pathogenic. Last evaluated: 2023-07-06. Review status: criteria provided, single submitter. Criteria: Invitae Variant Classification Sherloc (09022015). Collection method: clinical testing. Allele origin: germline.
Comment: For these reasons, this variant has been classified as Pathogenic. This variant disrupts a region of the USH2A protein in which other variant(s) (p.Thr5035Argfs*142) have been determined to be pathogenic (PMID: 25252889). This suggests that this is a clinically significant region of the protein, and that variants that disrupt it are likely to be disease-causing. This variant has not been reported in the literature in individuals affected with USH2A-related conditions. This variant is not present in population databases (gnomAD no frequency). This sequence change creates a premature translational stop signal (p.Thr5022Glnfs*150) in the USH2A gene. While this is not anticipated to result in nonsense mediated decay, it is expected to disrupt the last 181 amino acid(s) of the USH2A protein.

Women's Health and Genetics/Laboratory Corporation of America, LabCorp
Classification: Pathogenic for Usher syndrome. Last evaluated: 2022-07-30. Review status: criteria provided, single submitter. Criteria: LabCorp Variant Classification Summary - May 2015. Collection method: clinical testing. Allele origin: germline.
Comment: Variant summary: USH2A c.15063_15081delinsGC (p.Thr5022GlnfsX150) results in a premature termination codon, predicted to cause a truncation of the encoded protein or absence of the protein due to nonsense mediated decay, which are commonly known mechanisms for disease. The variant was absent in 251436 control chromosomes. c.15063_15081delinsGC has been reported in the literature as a compound heterozygous genotype in individuals affected with features of Usher Syndrome (example, Zein_2015, Weisschuh_2020, Wafa_2021). Two clinical diagnostic laboratories have submitted clinical-significance assessments for this variant to ClinVar after 2014 without evidence for independent evaluation. All laboratories classified the variant as pathogenic. Based on the evidence outlined above, the variant was classified as pathogenic.

CeGaT Center for Human Genetics Tuebingen
Classification: Pathogenic. Last evaluated: 2021-06-01. Review status: criteria provided, single submitter. Criteria: CeGaT Center For Human Genetics Tuebingen Variant Classification Criteria Version 2. Collection method: clinical testing. Allele origin: germline. Affected: yes. Observed: 1 variant allele.

Molecular Genetics Laboratory, Institute for Ophthalmic Research
Classification: Pathogenic for Usher syndrome type 2. Last evaluated: 2020-01-09. Review status: criteria provided, single submitter. Criteria: ACMG Guidelines, 2015. Collection method: research. Allele origin: germline. Affected: yes.

Literature cited by the submitters: PubMed 25252889 (cited by Labcorp Genetics (formerly Invitae), Labcorp); PubMed 32531858 (cited by Women's Health and Genetics/Laboratory Corporation of America, LabCorp); PubMed 25425308 (cited by Women's Health and Genetics/Laboratory Corporation of America, LabCorp); PubMed 33089500 (cited by Women's Health and Genetics/Laboratory Corporation of America, LabCorp).

NM_206933.4(USH2A):c.15063_15081delinsGC (p.Thr5022fs)

Gene: USH2A (usherin; minus strand). Cytogenetic location: 1q41.
Variant type: Indel.
Coding change: c.15063_15081delinsGC on transcript NM_206933.4 (MANE Select); coding-DNA positions 15063 to 15081, AACAACTCCTGGGAAAAAG replaced by GC.
Protein change: p.Thr5022fs; shifts the reading frame from threonine 5022.
Molecular consequence: frameshift variant.
Genome position (GRCh38, 1-based): chr1:215,634,675-215,634,693, CTTTTTCCCAGGAGTTGTT replaced by GC on the plus strand (AACAACTCCTGGGAAAAAG replaced by GC on the coding strand, the reverse complement: USH2A is on the minus strand). VCF-style: chr1-215634675-CTTTTTCCCAGGAGTTGTT-GC. GRCh37 (hg19) VCF-style: chr1-215808017-CTTTTTCCCAGGAGTTGTT-GC.
Other names: short protein forms T5022fs.
Identifiers: ClinVar variation 813116 (VCV000813116.37), dbSNP rs1656419435, ClinGen allele CA916082108.